The following is an entry in ClinVar:

NM_003041.4(SLC5A2):c.538G>A (p.Ala180Thr)

Gene: SLC5A2 (solute carrier family 5 member 2; plus strand). Cytogenetic location: 16p11.2.
Variant type: single nucleotide variant.
Coding change: c.538G>A on transcript NM_003041.4 (MANE Select); coding-DNA position 538, G replaced by A.
Protein change: p.Ala180Thr; replaces alanine 180 with threonine.
Molecular consequence: missense variant. On other transcripts: non-coding transcript variant (1).
Genome position (GRCh38, 1-based): chr16:31,486,239, G>A. VCF-style: chr16-31486239-G-A. GRCh37 (hg19) VCF-style: chr16-31497560-G-A.
Other names: short protein forms A180T.
Identifiers: ClinVar variation 4280085 (VCV004280085.1).

ClinVar aggregate classification (germline): Likely benign (1 of 4 stars; one submission).

Conditions:
Hypophosphatemic nephrolithiasis/osteoporosis 1. Identifiers: Orphanet 244305, MedGen C2676786, MONDO:0012850, OMIM 612286.

gnomAD v4.1: 9 of 1,613,866 alleles (0.00056%); highest among the groups gnomAD compares: Admixed American, 0.0017%; no homozygotes.

Submission:

Johns Hopkins Genomics, Johns Hopkins University
Classification: Likely benign for Hypophosphatemic nephrolithiasis/osteoporosis 1. Last evaluated: 2025-05-14. Review status: criteria provided, single submitter. Criteria: ACMG Guidelines, 2015. Collection method: clinical testing. Allele origin: germline.
Comment: This variant is classified as likely benign (PM2, BS2_supporting, BP4).

Literature cited by the submitters: PubMed 39412882.